The following is an entry in ClinVar:

NM_138694.4(PKHD1):c.11507-11C>T

Gene: PKHD1 (PKHD1 ciliary IPT domain containing fibrocystin/polyductin; minus strand). Cytogenetic location: 6p12.3.
Variant type: single nucleotide variant.
Coding change: c.11507-11C>T on transcript NM_138694.4 (MANE Select); 11 bases into the intron before coding-DNA position 11507, C replaced by T.
Molecular consequence: intron variant.
Genome position (GRCh38, 1-based): chr6:51,632,734, G>A on the plus strand (C>T on the coding strand, the complement: PKHD1 is on the minus strand). VCF-style: chr6-51632734-G-A. GRCh37 (hg19) VCF-style: chr6-51497532-G-A.
Identifiers: ClinVar variation 496514 (VCV000496514.24), dbSNP rs201478327, ClinGen allele CA3850796.

ClinVar aggregate classification (germline): Conflicting classifications of pathogenicity. Review status: criteria provided, conflicting classifications (1 of 4 stars). 6 submissions from 6 submitters: Uncertain significance (1); Likely benign (5). Last evaluated 2026-01-26.

Conditions:
Polycystic kidney disease 4 (PKD4). Also called: PKD3; POLYCYSTIC KIDNEY DISEASE 4 WITH OR WITHOUT POLYCYSTIC LIVER DISEASE; Autosomal Recessive Polycystic Kidney Disease – PKHD1; POLYCYSTIC KIDNEY AND HEPATIC DISEASE 1; POLYCYSTIC KIDNEY DISEASE, INFANTILE, TYPE I. Identifiers: MedGen C4540575, MONDO:0033004, OMIM 263200.
Autosomal recessive polycystic kidney disease (ARPKD). Also called: AR polycystic kidney disease. Identifiers: Orphanet 731, Orphanet 8378, MedGen C0085548, MeSH D017044, MONDO:0009889.

Allele frequency attached by ClinVar (database versions not stated): 1000 Genomes Project 30x 0.00031; 1000 Genomes Project 0.00040; TOPMed 0.00046; gnomAD 0.00050 and 0.00051; gnomAD exomes 0.00069 and 0.00073; ExAC 0.00082.
gnomAD v4.1: 1,124 of 1,609,382 alleles (0.07%); highest among the groups gnomAD compares: Non-Finnish European, 0.084%; no homozygotes.

Submissions (6):

Labcorp Genetics (formerly Invitae), Labcorp
Classification: Likely benign for Autosomal recessive polycystic kidney disease. Last evaluated: 2026-01-26. Review status: criteria provided, single submitter. Criteria: Invitae Variant Classification Sherloc (09022015). Collection method: clinical testing. Allele origin: germline.

Women's Health and Genetics/Laboratory Corporation of America, LabCorp
Classification: Likely benign. Last evaluated: 2025-01-09. Review status: criteria provided, single submitter. Criteria: LabCorp Variant Classification Summary - May 2015. Collection method: clinical testing. Allele origin: germline.
Comment: Variant summary: PKHD1 c.11507-11C>T alters a non-conserved nucleotide located at a position not widely known to affect splicing. Consensus agreement among computation tools predict no significant impact on normal splicing. However, these predictions have yet to be confirmed by functional studies. The variant allele was found at a frequency of 0.00069 in 250504 control chromosomes, predominantly at a frequency of 0.0012 within the Non-Finnish European subpopulation in the gnomAD database. This frequency is not significantly higher than estimated for a pathogenic variant in PKHD1 causing Polycystic Kidney And Hepatic Disease (0.00069 vs 0.0071), allowing no conclusion about variant significance. c.11507-11C>T has been reported in the literature in an individual affected with Polycystic Kidney And Hepatic Disease who had two other variants reported in PKHD1, although the phase was not specifed (Burgmaier_2021). This report does not provide unequivocal conclusions about association of the variant with Polycystic Kidney And Hepatic Disease. To our knowledge, no experimental evidence demonstrating an impact on protein function has been reported. The following publication has been ascertained in the context of this evaluation (PMID: 33940108). ClinVar contains an entry for this variant (Variation ID: 496514). Based on the evidence outlined above, the variant was classified as likely benign.

Blueprint Genetics
Classification: Likely benign. Last evaluated: 2024-11-01. Review status: criteria provided, single submitter. Criteria: ACMG Guidelines, 2015. Collection method: clinical testing. Allele origin: germline.

Department of Pathology and Laboratory Medicine, Sinai Health System
Classification: Likely benign for Polycystic kidney disease 4. Last evaluated: 2022-01-07. Review status: criteria provided, single submitter. Criteria: ACMG Guidelines, 2015. Collection method: clinical testing. Allele origin: germline. Affected: yes.

GeneDx
Classification: Likely benign. Last evaluated: 2021-05-16. Review status: criteria provided, single submitter. Criteria: GeneDx Variant Classification Process June 2021. Collection method: clinical testing. Allele origin: germline. Affected: yes.

Illumina Laboratory Services, Illumina
Classification: Uncertain significance for Polycystic kidney disease 4. Last evaluated: 2018-01-13. Review status: criteria provided, single submitter. Criteria: ICSL Variant Classification Criteria 13 December 2019. Collection method: clinical testing. Allele origin: germline.

Literature cited by the submitters: PubMed 33940108 (cited by Women's Health and Genetics/Laboratory Corporation of America, LabCorp).